The following is an entry in ClinVar:

NM_020937.4(FANCM):c.5989G>C (p.Val1997Leu)

Gene: FANCM (FA complementation group M; plus strand). Cytogenetic location: 14q21.2.
Variant type: single nucleotide variant.
Coding change: c.5989G>C on transcript NM_020937.4 (MANE Select); coding-DNA position 5989, G replaced by C.
Protein change: p.Val1997Leu; replaces valine 1997 with leucine.
Molecular consequence: missense variant.
Genome position (GRCh38, 1-based): chr14:45,198,916, G>C. VCF-style: chr14-45198916-G-C. GRCh37 (hg19) VCF-style: chr14-45668119-G-C.
Other names: c.5911G>C, p.Val1971Leu (NM_001308133.2); short protein forms V1971L, V1997L.
Identifiers: ClinVar variation 943822 (VCV000943822.9), dbSNP rs1890218222, ClinGen allele CA389587716.

ClinVar aggregate classification (germline): Uncertain significance (1 of 4 stars; one submission).

Conditions:
Fanconi anemia (FA). Also called: Fanconi's anemia. Identifiers: Orphanet 84, MedGen C0015625, MeSH D005199, MONDO:0019391.

Submission:

Labcorp Genetics (formerly Invitae), Labcorp
Classification: Uncertain significance for Fanconi anemia. Last evaluated: 2019-07-11. Review status: criteria provided, single submitter. Criteria: Invitae Variant Classification Sherloc (09022015). Collection method: clinical testing. Allele origin: germline.
Comment: In summary, the available evidence is currently insufficient to determine the role of this variant in disease. Therefore, it has been classified as a Variant of Uncertain Significance. Algorithms developed to predict the effect of missense changes on protein structure and function output the following: SIFT: "Tolerated"; PolyPhen-2: "Benign"; Align-GVGD: "Class C0". The leucine amino acid residue is found in multiple mammalian species, suggesting that this missense change does not adversely affect protein function. These predictions have not been confirmed by published functional studies and their clinical significance is uncertain. This variant has not been reported in the literature in individuals with FANCM-related conditions. This variant is not present in population databases (ExAC no frequency). This sequence change replaces valine with leucine at codon 1997 of the FANCM protein (p.Val1997Leu). The valine residue is moderately conserved and there is a small physicochemical difference between valine and leucine.